The following is an entry in ClinVar:

NM_017951.5(SMPD4):c.420C>G (p.Thr140=)

Gene: SMPD4 (sphingomyelin phosphodiesterase 4; minus strand). Cytogenetic location: 2q21.1.
Variant type: single nucleotide variant.
Coding change: c.420C>G on transcript NM_017951.5 (MANE Select); coding-DNA position 420, C replaced by G.
Protein change: p.Thr140=; no amino-acid change (threonine 140 retained).
Molecular consequence: synonymous variant. On other transcripts: non-coding transcript variant (2).
Genome position (GRCh38, 1-based): chr2:130,172,821, G>C on the plus strand (C>G on the coding strand, the complement: SMPD4 is on the minus strand). VCF-style: chr2-130172821-G-C. GRCh37 (hg19) VCF-style: chr2-130930394-G-C.
Other names: c.318C>G, p.Thr106= (NM_001171083.2); c.537C>G, p.Thr179= (NM_017751.4).
Identifiers: ClinVar variation 5041554 (VCV005041554.1).

ClinVar aggregate classification (germline): Likely benign (1 of 4 stars; one submission).

Submission:

CeGaT Center for Human Genetics Tuebingen
Classification: Likely benign. Last evaluated: 2026-09-01. Review status: criteria provided, single submitter. Criteria: CeGaT Center For Human Genetics Tuebingen Variant Classification Criteria Version 2. Collection method: clinical testing. Allele origin: germline. Affected: yes. Observed: 1 variant allele.
Comment: SMPD4: BP4, BP7